The following is an entry in ClinVar:

NM_000089.4(COL1A2):c.239A>C (p.Gln80Pro)

Gene: COL1A2 (collagen type I alpha 2 chain; plus strand). Cytogenetic location: 7q21.3.
Variant type: single nucleotide variant.
Coding change: c.239A>C on transcript NM_000089.4 (MANE Select); coding-DNA position 239, A replaced by C.
Protein change: p.Gln80Pro; replaces glutamine 80 with proline.
Molecular consequence: missense variant.
Genome position (GRCh38, 1-based): chr7:94,401,580, A>C. VCF-style: chr7-94401580-A-C. GRCh37 (hg19) VCF-style: chr7-94030892-A-C.
Other names: short protein forms Q80P.
Identifiers: ClinVar variation 4789702 (VCV004789702.1).

ClinVar aggregate classification (germline): Uncertain significance (1 of 4 stars; one submission).

Conditions:
Ehlers-Danlos syndrome, classic type, 1 (EDSCL1). Also called: EHLERS-DANLOS SYNDROME, GRAVIS TYPE; EHLERS-DANLOS SYNDROME, SEVERE CLASSIC TYPE; Ehlers-Danlos syndrome, type 1; Ehlers-Danlos Syndrome, Classic Type, COL5A1-Related; EDS I. Identifiers: MedGen C0268335, MONDO:0019567, OMIM 130000.
Osteogenesis imperfecta type I (OI1). Also called: OI, TYPE I; OSTEOGENESIS IMPERFECTA TARDA; OSTEOGENESIS IMPERFECTA WITH BLUE SCLERAE; Osteogenesis imperfecta type 1; Lobstein's Disease; Lobstein disease. Identifiers: Orphanet 216796, Orphanet 666, MedGen C0023931, MONDO:0008146, OMIM 166200. Disease mechanism: loss of function.

Submission:

Labcorp Genetics (formerly Invitae), Labcorp
Classification: Uncertain significance for Osteogenesis imperfecta type I; Ehlers-Danlos syndrome, classic type, 1. Last evaluated: 2025-10-29. Review status: criteria provided, single submitter. Criteria: Invitae Variant Classification Sherloc (09022015). Collection method: clinical testing. Allele origin: germline.
Comment: This sequence change replaces glutamine, which is neutral and polar, with proline, which is neutral and non-polar, at codon 80 of the COL1A2 protein (p.Gln80Pro). This variant is not present in population databases (gnomAD no frequency). This variant has not been reported in the literature in individuals affected with COL1A2-related conditions. Invitae Evidence Modeling of protein sequence and biophysical properties (such as structural, functional, and spatial information, amino acid conservation, physicochemical variation, residue mobility, and thermodynamic stability) indicates that this missense variant is not expected to disrupt COL1A2 protein function with a negative predictive value of 95%. In summary, the available evidence is currently insufficient to determine the role of this variant in disease. Therefore, it has been classified as a Variant of Uncertain Significance.